The following is an entry in ClinVar:

ClinVar aggregate classification (germline): Uncertain significance (1 of 4 stars; one submission).

Conditions:
Neurofibromatosis, type 1 (NF1). Also called: Peripheral type neurofibromatosis; Neurofibromatosis, type I; VON RECKLINGHAUSEN DISEASE; NEUROFIBROMATOSIS, TYPE I, SOMATIC. Identifiers: Orphanet 636, MedGen C0027831, MONDO:0018975, OMIM 162200. Disease mechanism: loss of function.

Submission:

Labcorp Genetics (formerly Invitae), Labcorp
Classification: Uncertain significance for Neurofibromatosis, type 1. Last evaluated: 2021-10-15. Review status: criteria provided, single submitter. Criteria: Invitae Variant Classification Sherloc (09022015). Collection method: clinical testing. Allele origin: germline.
Comment: This sequence change replaces arginine with isoleucine at codon 1413 of the NF1 protein (p.Arg1413Ile). The arginine residue is moderately conserved and there is a moderate physicochemical difference between arginine and isoleucine. This variant is not present in population databases (ExAC no frequency). This variant has not been reported in the literature in individuals affected with NF1-related conditions. Advanced modeling of protein sequence and biophysical properties (such as structural, functional, and spatial information, amino acid conservation, physicochemical variation, residue mobility, and thermodynamic stability) performed at Invitae indicates that this missense variant is expected to disrupt NF1 protein function. In summary, the available evidence is currently insufficient to determine the role of this variant in disease. Therefore, it has been classified as a Variant of Uncertain Significance.

NM_001042492.3(NF1):c.4301G>T (p.Arg1434Ile)

Gene: NF1 (neurofibromin 1; plus strand). Cytogenetic location: 17q11.2.
Variant type: single nucleotide variant.
Coding change: c.4301G>T on transcript NM_001042492.3 (MANE Select); coding-DNA position 4301, G replaced by T.
Protein change: p.Arg1434Ile; replaces arginine 1434 with isoleucine.
Molecular consequence: missense variant.
Genome position (GRCh38, 1-based): chr17:31,258,471, G>T. VCF-style: chr17-31258471-G-T. GRCh37 (hg19) VCF-style: chr17-29585489-G-T.
Other names: c.4238G>T, p.Arg1413Ile (NM_000267.4); short protein forms R1413I, R1434I.
Identifiers: ClinVar variation 1410498 (VCV001410498.6), dbSNP rs1597744780, ClinGen allele CA398998069.